The following is an entry in ClinVar:

NM_152564.5(VPS13B):c.8430del (p.Val2811fs)

Gene: VPS13B (vacuolar protein sorting 13 homolog B; plus strand). Cytogenetic location: 8q22.2.
Variant type: Deletion.
Coding change: c.8430del on transcript NM_152564.5 (MANE Select); coding-DNA position 8430, one base deleted (A; older notation c.8430delA).
Protein change: p.Val2811fs; shifts the reading frame from valine 2811.
Molecular consequence: frameshift variant.
Genome position (GRCh38, 1-based): chr8:99,818,519, A deleted; the last of 2 consecutive A bases (chr8:99,818,518-99,818,519); deleting either gives the same sequence. VCF-style (leftmost placement, unchanged base first): chr8-99818517-CA-C. GRCh37 (hg19) VCF-style: chr8-100830745-CA-C.
Other names: c.8505del, p.Val2836fs (NM_017890.5); short protein forms V2811fs, V2836fs.
Identifiers: ClinVar variation 1068499 (VCV001068499.8), dbSNP rs2130813174, ClinGen allele CA2499219487.

ClinVar aggregate classification (germline): Pathogenic (1 of 4 stars; one submission).

Conditions:
Cohen syndrome (COH1). Also called: PEPPER SYNDROME; Cutis verticis gyrata, retinitis pigmentosa, and sensorineural deafness. Identifiers: Orphanet 193, MedGen C0265223, MONDO:0008999, OMIM 216550.

Submission:

Labcorp Genetics (formerly Invitae), Labcorp
Classification: Pathogenic for Cohen syndrome. Last evaluated: 2025-10-22. Review status: criteria provided, single submitter. Criteria: Invitae Variant Classification Sherloc (09022015). Collection method: clinical testing. Allele origin: germline.
Comment: This sequence change creates a premature translational stop signal (p.Val2836Cysfs*5) in the VPS13B gene. It is expected to result in an absent or disrupted protein product. Loss-of-function variants in VPS13B are known to be pathogenic (PMID: 15141358, 16648375, 20461111). This variant is not present in population databases (gnomAD no frequency). This variant has not been reported in the literature in individuals affected with VPS13B-related conditions. ClinVar contains an entry for this variant (Variation ID: 1068499). For these reasons, this variant has been classified as Pathogenic.

Literature cited by the submitters: PubMed 15141358; PubMed 16648375; PubMed 20461111.